The following is an entry in ClinVar:

NM_030773.4(TUBB1):c.1261G>A (p.Glu421Lys)

Gene: TUBB1 (tubulin beta 1 class VI; plus strand). Cytogenetic location: 20q13.32.
Variant type: single nucleotide variant.
Coding change: c.1261G>A on transcript NM_030773.4 (MANE Select); coding-DNA position 1261, G replaced by A.
Protein change: p.Glu421Lys; replaces glutamic acid 421 with lysine.
Molecular consequence: missense variant.
Genome position (GRCh38, 1-based): chr20:59,024,688, G>A. VCF-style: chr20-59024688-G-A. GRCh37 (hg19) VCF-style: chr20-57599743-G-A.
Other names: short protein forms E421K.
Identifiers: ClinVar variation 2767839 (VCV002767839.3), dbSNP rs769419634, ClinGen allele CA9928685.
Genomic context (GRCh38, chr20:59,024,688, plus strand): 5'-GAAGGGATGGACATAAACGAATTTGGGGAAGCTGAAAATAACATCCATGATTTGGTATCC[G>A]AGTACCAACAATTTCAAGATGCCAAAGCAGTTCTAGAGGAAGATGAAGAGGTCACGGAGG-3'
Protein context (NP_110400.1, residues 411-431): AENNIHDLVS[Glu421Lys]YQQFQDAKAV

ClinVar aggregate classification (germline): Uncertain significance (1 of 4 stars; one submission).

Allele frequency attached by ClinVar (database versions not stated): TOPMed 0.00001; gnomAD 0.00002.

Submission:

Labcorp Genetics (formerly Invitae), Labcorp
Classification: Uncertain significance. Last evaluated: 2023-12-31. Review status: criteria provided, single submitter. Criteria: Invitae Variant Classification Sherloc (09022015). Collection method: clinical testing. Allele origin: germline.
Comment: This sequence change replaces glutamic acid, which is acidic and polar, with lysine, which is basic and polar, at codon 421 of the TUBB1 protein (p.Glu421Lys). This variant is present in population databases (rs769419634, gnomAD 0.003%). This variant has not been reported in the literature in individuals affected with TUBB1-related conditions. Advanced modeling of protein sequence and biophysical properties (such as structural, functional, and spatial information, amino acid conservation, physicochemical variation, residue mobility, and thermodynamic stability) performed at Invitae indicates that this missense variant is expected to disrupt TUBB1 protein function with a positive predictive value of 80%. In summary, the available evidence is currently insufficient to determine the role of this variant in disease. Therefore, it has been classified as a Variant of Uncertain Significance.